The following is an entry in ClinVar:

NM_006059.4(LAMC3):c.4677C>G (p.Asn1559Lys)

Gene: LAMC3 (laminin subunit gamma 3; plus strand). Cytogenetic location: 9q34.12.
Variant type: single nucleotide variant.
Coding change: c.4677C>G on transcript NM_006059.4 (MANE Select); coding-DNA position 4677, C replaced by G.
Protein change: p.Asn1559Lys; replaces asparagine 1559 with lysine.
Molecular consequence: missense variant.
Genome position (GRCh38, 1-based): chr9:131,091,736, C>G. VCF-style: chr9-131091736-C-G. GRCh37 (hg19) VCF-style: chr9-133967123-C-G.
Other names: short protein forms N1559K.
Identifiers: ClinVar variation 1699769 (VCV001699769.7), dbSNP rs1216451660, ClinGen allele CA375267483.

ClinVar aggregate classification (germline): Uncertain significance. Review status: criteria provided, multiple submitters, no conflicts (2 of 4 stars). 2 submissions from 2 submitters: Uncertain significance (2). Last evaluated 2024-05-29.

Allele frequency attached by ClinVar (database versions not stated): gnomAD 0.00002; gnomAD exomes 0.00001; TOPMed 0.00001.
gnomAD v4.1: 23 of 1,613,264 alleles (0.0014%); highest among the groups gnomAD compares: Non-Finnish European, 0.0019%; no homozygotes.

Submissions (2):

GeneDx
Classification: Uncertain significance. Last evaluated: 2024-05-29. Review status: criteria provided, single submitter. Criteria: GeneDx Variant Classification Process June 2021. Collection method: clinical testing. Allele origin: germline.
Comment: Not observed at significant frequency in large population cohorts (gnomAD); In silico analysis supports that this missense variant has a deleterious effect on protein structure/function; Has not been previously published as pathogenic or benign to our knowledge

Labcorp Genetics (formerly Invitae), Labcorp
Classification: Uncertain significance. Last evaluated: 2022-05-19. Review status: criteria provided, single submitter. Criteria: Invitae Variant Classification Sherloc (09022015). Collection method: clinical testing. Allele origin: germline.
Comment: In summary, the available evidence is currently insufficient to determine the role of this variant in disease. Therefore, it has been classified as a Variant of Uncertain Significance. Algorithms developed to predict the effect of missense changes on protein structure and function are either unavailable or do not agree on the potential impact of this missense change (SIFT: "Deleterious"; PolyPhen-2: "Probably Damaging"; Align-GVGD: "Class C0"). This variant has not been reported in the literature in individuals affected with LAMC3-related conditions. This variant is present in population databases (no rsID available, gnomAD 0.007%). This sequence change replaces asparagine, which is neutral and polar, with lysine, which is basic and polar, at codon 1559 of the LAMC3 protein (p.Asn1559Lys).